The following is an entry in ClinVar:

ClinVar aggregate classification (germline): Uncertain significance. Review status: criteria provided, multiple submitters, no conflicts (2 of 4 stars). 3 submissions from 3 submitters: Uncertain significance (3). Last evaluated 2025-06-25.

Conditions:
Gorlin syndrome. Also called: Nevoid Basal Cell Carcinoma Syndrome; Basal cell nevus syndrome. Identifiers: Orphanet 377, MedGen C0004779, MONDO:0007187.
Hereditary cancer-predisposing syndrome. Also called: Neoplastic Syndromes, Hereditary; Tumor predisposition; Hereditary neoplastic syndrome; Hereditary Cancer Syndrome. Identifiers: Orphanet 140162, MedGen C0027672, MeSH D009386, MONDO:0015356.

Allele frequency attached by ClinVar (database versions not stated): gnomAD exomes below 0.00001.
gnomAD v4.1: 3 of 1,614,018 alleles (0.00019%); highest among the groups gnomAD compares: Non-Finnish European, 0.00025%; no homozygotes.

Submissions (3):

GeneDx
Classification: Uncertain significance. Last evaluated: 2025-06-25. Review status: criteria provided, single submitter. Criteria: GeneDx Variant Classification Process June 2021. Collection method: clinical testing. Allele origin: germline.
Comment: Not observed at significant frequency in large population cohorts (gnomAD); In silico analysis suggests that this missense variant does not alter protein structure/function; Reported in a patient with autism spectrum disorder (ASD) in published literature (PMID: 35982160); This variant is associated with the following publications: (PMID: 35982160)

Labcorp Genetics (formerly Invitae), Labcorp
Classification: Uncertain significance for Gorlin syndrome. Last evaluated: 2024-11-30. Review status: criteria provided, single submitter. Criteria: Invitae Variant Classification Sherloc (09022015). Collection method: clinical testing. Allele origin: germline.
Comment: This sequence change replaces isoleucine, which is neutral and non-polar, with valine, which is neutral and non-polar, at codon 1092 of the PTCH1 protein (p.Ile1092Val). This variant is not present in population databases (gnomAD no frequency). This variant has not been reported in the literature in individuals affected with PTCH1-related conditions. ClinVar contains an entry for this variant (Variation ID: 1422792). Invitae Evidence Modeling of protein sequence and biophysical properties (such as structural, functional, and spatial information, amino acid conservation, physicochemical variation, residue mobility, and thermodynamic stability) has been performed for this missense variant. However, the output from this modeling did not meet the statistical confidence thresholds required to predict the impact of this variant on PTCH1 protein function. In summary, the available evidence is currently insufficient to determine the role of this variant in disease. Therefore, it has been classified as a Variant of Uncertain Significance.

Ambry Genetics
Classification: Uncertain significance for Hereditary cancer-predisposing syndrome. Last evaluated: 2024-04-30. Review status: criteria provided, single submitter. Criteria: Ambry Variant Classification Scheme 2023. Collection method: clinical testing. Allele origin: germline.
Comment: The p.I1092V variant (also known as c.3274A>G), located in coding exon 19 of the PTCH1 gene, results from an A to G substitution at nucleotide position 3274. The isoleucine at codon 1092 is replaced by valine, an amino acid with highly similar properties. This amino acid position is highly conserved in available vertebrate species. In addition, the in silico prediction for this alteration is inconclusive. Based on the available evidence, the clinical significance of this variant remains unclear.

NM_000264.5(PTCH1):c.3274A>G (p.Ile1092Val)

Gene: PTCH1 (patched 1; minus strand). Cytogenetic location: 9q22.32.
Variant type: single nucleotide variant.
Coding change: c.3274A>G on transcript NM_000264.5 (MANE Select); coding-DNA position 3274, A replaced by G.
Protein change: p.Ile1092Val; replaces isoleucine 1092 with valine.
Molecular consequence: missense variant. On other transcripts: non-coding transcript variant (1).
Genome position (GRCh38, 1-based): chr9:95,456,308, T>C on the plus strand (A>G on the coding strand, the complement: PTCH1 is on the minus strand). VCF-style: chr9-95456308-T-C. GRCh37 (hg19) VCF-style: chr9-98218590-T-C.
Other names: c.3076A>G, p.Ile1026Val (NM_001083602.3); c.3271A>G, p.Ile1091Val (NM_001083603.3); c.2821A>G, p.Ile941Val (NM_001083604.3, NM_001083605.3, NM_001083606.3 and 1 more transcripts); c.3118A>G, p.Ile1040Val (NM_001354918.2); c.3274A>G (NM_000264.3); short protein forms I1026V, I941V, I1040V, I1092V, I1091V.
Identifiers: ClinVar variation 1422792 (VCV001422792.9), dbSNP rs2136647902, ClinGen allele CA374112020.
Genomic context (GRCh38, chr9:95,456,308, plus strand): 5'-AAGTTTTTGCTTCAAATGTCTCCCATACCAAAGCAACGTGAACGGTGAACTCCACTCCTA[T>C]GCCAACAGAAGCGATCAGGATGACCACGGGCACGGCACTGAGCTTGATTCCGATGAGGCC-3'
Protein context (NP_000255.2, residues 1082-1102): PVVILIASVG[Ile1092Val]GVEFTVHVAL